The following is an entry in ClinVar:

ClinVar aggregate classification (germline): Uncertain significance. Review status: criteria provided, multiple submitters, no conflicts (2 of 4 stars). 2 submissions from 2 submitters: Uncertain significance (2). Last evaluated 2026-01-31.

Conditions:
Hereditary cancer-predisposing syndrome. Also called: Tumor predisposition; Hereditary neoplastic syndrome; Neoplastic Syndromes, Hereditary; Hereditary Cancer Syndrome. Identifiers: Orphanet 140162, MedGen C0027672, MeSH D009386, MONDO:0015356.
Pheochromocytoma/paraganglioma syndrome 3. Also called: SDHC-Related Hereditary Paraganglioma-Pheochromocytoma Syndrome (Paragangliomas 3); GLOMUS TUMORS, FAMILIAL, 3; SDHC-Related Hereditary Paraganglioma-Pheochromocytoma Syndrome; Paragangliomas 3. Identifiers: Orphanet 29072, MedGen C1854336, MONDO:0011544, OMIM 605373.
Gastrointestinal stromal tumor. Also called: Gastrointestinal stroma tumor; Gastrointestinal stromal tumor, somatic. Identifiers: Orphanet 44890, MedGen C0238198, MeSH D046152, MONDO:0011719, OMIM 606764, HP:0100723.

Submissions (2):

Labcorp Genetics (formerly Invitae), Labcorp
Classification: Uncertain significance for Pheochromocytoma/paraganglioma syndrome 3; Gastrointestinal stromal tumor. Last evaluated: 2026-01-31. Review status: criteria provided, single submitter. Criteria: Invitae Variant Classification Sherloc (09022015). Collection method: clinical testing. Allele origin: germline.
Comment: This sequence change replaces valine, which is neutral and non-polar, with methionine, which is neutral and non-polar, at codon 160 of the SDHC protein (p.Val160Met). This variant is not present in population databases (gnomAD no frequency). This missense change has been observed in individual(s) with pheochromocytoma (PMID: 33397043). ClinVar contains an entry for this variant (Variation ID: 465976). An algorithm developed to predict the effect of missense changes on protein structure and function (PolyPhen-2) suggests that this variant is likely to be disruptive. In summary, the available evidence is currently insufficient to determine the role of this variant in disease. Therefore, it has been classified as a Variant of Uncertain Significance.

Ambry Genetics
Classification: Uncertain significance for Hereditary cancer-predisposing syndrome. Last evaluated: 2024-08-22. Review status: criteria provided, single submitter. Criteria: Ambry Variant Classification Scheme 2023. Collection method: clinical testing. Allele origin: germline.
Comment: The p.V160M variant (also known as c.478G>A), located in coding exon 6 of the SDHC gene, results from a G to A substitution at nucleotide position 478. The valine at codon 160 is replaced by methionine, an amino acid with highly similar properties. This alteration has been detected in an individual diagnosed with a pheochromocytoma (Seo SH et al. Endocrinol Metab (Seoul), 2020 12;35:909-917). This amino acid position is well conserved in available vertebrate species. In addition, this alteration is predicted to be deleterious by in silico analysis. Based on the available evidence, the clinical significance of this variant remains unclear.

Literature cited by the submitters: PubMed 33397043 (cited by Labcorp Genetics (formerly Invitae), Labcorp and Ambry Genetics).

NM_003001.5(SDHC):c.478G>A (p.Val160Met)

Gene: SDHC (succinate dehydrogenase complex subunit C; plus strand). Cytogenetic location: 1q23.3.
Variant type: single nucleotide variant.
Coding change: c.478G>A on transcript NM_003001.5 (MANE Select); coding-DNA position 478, G replaced by A.
Protein change: p.Val160Met; replaces valine 160 with methionine.
Molecular consequence: missense variant.
Genome position (GRCh38, 1-based): chr1:161,362,401, G>A. VCF-style: chr1-161362401-G-A. GRCh37 (hg19) VCF-style: chr1-161332191-G-A.
Other names: c.314G>A, p.Cys105Tyr (NM_001035511.3); c.376G>A, p.Val126Met (NM_001035512.3); c.319G>A, p.Val107Met (NM_001035513.3); c.212G>A, p.Cys71Tyr (NM_001278172.3); c.598G>A, p.Val200Met (NM_001407115.1); c.421G>A, p.Val141Met (NM_001407116.1); c.415G>A, p.Val139Met (NM_001407117.1); c.370G>A, p.Val124Met (NM_001407118.1); and 2 more; short protein forms V160M, C105Y, V126M, V107M, C71Y, V124M, V141M, V123M.
Identifiers: ClinVar variation 465976 (VCV000465976.10), dbSNP rs1553266502, ClinGen allele CA343457881.